The following is an entry in ClinVar:

NM_002296.4(LBR):c.113C>T (p.Thr38Ile)

Gene: LBR (lamin B receptor; minus strand). Cytogenetic location: 1q42.12.
Variant type: single nucleotide variant.
Coding change: c.113C>T on transcript NM_002296.4 (MANE Select); coding-DNA position 113, C replaced by T.
Protein change: p.Thr38Ile; replaces threonine 38 with isoleucine.
Molecular consequence: missense variant.
Genome position (GRCh38, 1-based): chr1:225,423,963, G>A on the plus strand (C>T on the coding strand, the complement: LBR is on the minus strand). VCF-style: chr1-225423963-G-A. GRCh37 (hg19) VCF-style: chr1-225611665-G-A.
Other names: c.113C>T, p.Thr38Ile (NM_194442.3); short protein forms T38I.
Identifiers: ClinVar variation 1330735 (VCV001330735.7), dbSNP rs555819295, ClinGen allele CA38521712.

ClinVar aggregate classification (germline): Uncertain significance (1 of 4 stars; one submission).

gnomAD v4.1: 8 of 1,613,724 alleles (0.0005%); highest among the groups gnomAD compares: Non-Finnish European, 0.00068%; no homozygotes.

Submission:

ARUP Laboratories, Molecular Genetics and Genomics, ARUP Laboratories
Classification: Uncertain significance. Last evaluated: 2021-03-16. Review status: criteria provided, single submitter. Criteria: ARUP Molecular Germline Variant Investigation Process 2021. Collection method: clinical testing. Allele origin: germline.
Comment: The LBR c.113C>T, p.Thr38Ile variant, to our knowledge, has not been reported in the medical literature or gene specific databases. This variant is also absent from general population databases (1000 Genomes Project, Exome Variant Server, and Genome Aggregation Database), indicating it is not a common polymorphism. The threonine at codon 38 is moderately conserved, and computational analyses are uncertain whether this variant is neutral or deleterious (REVEL: 0.543). Based on the available information, the clinical significance of this variant is uncertain.